The following is an entry in ClinVar:

NM_000175.5(GPI):c.541G>A (p.Val181Ile)

Gene: GPI (glucose-6-phosphate isomerase; plus strand). Cytogenetic location: 19q13.11.
Variant type: single nucleotide variant.
Coding change: c.541G>A on transcript NM_000175.5 (MANE Select); coding-DNA position 541, G replaced by A.
Protein change: p.Val181Ile; replaces valine 181 with isoleucine.
Molecular consequence: missense variant.
Genome position (GRCh38, 1-based): chr19:34,377,789, G>A. VCF-style: chr19-34377789-G-A. GRCh37 (hg19) VCF-style: chr19-34868694-G-A.
Other names: c.541G>A (NM_000175.3); c.574G>A, p.Val192Ile (NM_001184722.1); c.658G>A, p.Val220Ile (NM_001289789.1); c.457G>A, p.Val153Ile (NM_001289790.3); c.541G>A, p.Val181Ile (NM_001329909.1, NM_001329910.1, NM_001329911.2); short protein forms V220I, V192I, V153I, V181I.
Identifiers: ClinVar variation 1431733 (VCV001431733.5), dbSNP rs750076196, ClinGen allele CA9367097.

ClinVar aggregate classification (germline): Uncertain significance. Review status: criteria provided, multiple submitters, no conflicts (2 of 4 stars). 2 submissions from 2 submitters: Uncertain significance (2). Last evaluated 2024-03-26.

Conditions:
Inborn genetic diseases. Identifiers: MedGen C0950123, MeSH D030342.

Allele frequency attached by ClinVar (database versions not stated): ExAC 0.00001; gnomAD 0.00002; TOPMed 0.00002.
gnomAD v4.1: 29 of 1,613,890 alleles (0.0018%); highest among the groups gnomAD compares: Middle Eastern, 0.033%; no homozygotes.

Submissions (2):

Ambry Genetics
Classification: Uncertain significance for Inborn genetic diseases. Last evaluated: 2024-03-26. Review status: criteria provided, single submitter. Criteria: Ambry Variant Classification Scheme 2023. Collection method: clinical testing. Allele origin: germline.

Labcorp Genetics (formerly Invitae), Labcorp
Classification: Uncertain significance. Last evaluated: 2021-11-23. Review status: criteria provided, single submitter. Criteria: Invitae Variant Classification Sherloc (09022015). Collection method: clinical testing. Allele origin: germline.
Comment: This sequence change replaces valine, which is neutral and non-polar, with isoleucine, which is neutral and non-polar, at codon 181 of the GPI protein (p.Val181Ile). In summary, the available evidence is currently insufficient to determine the role of this variant in disease. Therefore, it has been classified as a Variant of Uncertain Significance. Algorithms developed to predict the effect of missense changes on protein structure and function output the following: SIFT: "Deleterious"; PolyPhen-2: "Benign"; Align-GVGD: "Class C0". The isoleucine amino acid residue is found in multiple mammalian species, which suggests that this missense change does not adversely affect protein function. This variant has not been reported in the literature in individuals affected with GPI-related conditions. This variant is present in population databases (rs750076196, gnomAD 0.006%).